The following is an entry in ClinVar:

ClinVar aggregate classification (germline): Uncertain significance (1 of 4 stars; one submission).

Conditions:
Ullrich congenital muscular dystrophy 2 (UCMD2). Identifiers: Orphanet 75840, MedGen C4225314, MONDO:0014654, OMIM 616470.
Bethlem myopathy 2 (BTHLM2). Identifiers: Orphanet 536516, Orphanet 610, MedGen C4225313, MONDO:0034022, OMIM 616471.

Submission:

Labcorp Genetics (formerly Invitae), Labcorp
Classification: Uncertain significance for Bethlem myopathy 2; Ullrich congenital muscular dystrophy 2. Last evaluated: 2025-05-27. Review status: criteria provided, single submitter. Criteria: Invitae Variant Classification Sherloc (09022015). Collection method: clinical testing. Allele origin: germline.
Comment: This sequence change falls in intron 61 of the COL12A1 gene. It does not directly change the encoded amino acid sequence of the COL12A1 protein. It affects a nucleotide within the consensus splice site. This variant is present in population databases (no rsID available, gnomAD 0.006%). This variant has not been reported in the literature in individuals affected with COL12A1-related conditions. Variants that disrupt the consensus splice site are a relatively common cause of aberrant splicing (PMID: 17576681, 9536098). Algorithms developed to predict the effect of sequence changes on RNA splicing suggest that this variant may disrupt the consensus splice site. In summary, the available evidence is currently insufficient to determine the role of this variant in disease. Therefore, it has been classified as a Variant of Uncertain Significance.

Literature cited by the submitters: PubMed 17576681; PubMed 9536098.

NM_004370.6(COL12A1):c.8685+5G>A

Gene: COL12A1 (collagen type XII alpha 1 chain; minus strand). Cytogenetic location: 6q13.
Variant type: single nucleotide variant.
Coding change: c.8685+5G>A on transcript NM_004370.6 (MANE Select); 5 bases into the intron after coding-DNA position 8685, G replaced by A.
Molecular consequence: intron variant.
Genome position (GRCh38, 1-based): chr6:75,091,485, C>T on the plus strand (G>A on the coding strand, the complement: COL12A1 is on the minus strand). VCF-style: chr6-75091485-C-T. GRCh37 (hg19) VCF-style: chr6-75801201-C-T.
Other names: c.8412+5G>A (NM_001424115.1); c.8664+5G>A (NM_001424114.1); c.8685+5G>A (NM_001424113.1); c.5193+5G>A (NM_001424116.1, NM_080645.3).
Identifiers: ClinVar variation 4785126 (VCV004785126.1).